The following is an entry in ClinVar:

ClinVar aggregate classification (germline): Uncertain significance. Review status: criteria provided, multiple submitters, no conflicts (2 of 4 stars). 2 submissions from 2 submitters: Uncertain significance (2). Last evaluated 2025-08-01.

Conditions:
Inborn genetic diseases. Identifiers: MedGen C0950123, MeSH D030342.

Allele frequency attached by ClinVar (database versions not stated): gnomAD exomes below 0.00001; gnomAD 0.00001.
gnomAD v4.1: 9 of 1,613,928 alleles (0.00056%); highest among the groups gnomAD compares: East Asian, 0.0045%; no homozygotes.

Submissions (2):

Ambry Genetics
Classification: Uncertain significance for Inborn genetic diseases. Last evaluated: 2025-08-01. Review status: criteria provided, single submitter. Criteria: Ambry Variant Classification Scheme 2023. Collection method: clinical testing. Allele origin: germline.

Labcorp Genetics (formerly Invitae), Labcorp
Classification: Uncertain significance. Last evaluated: 2022-08-09. Review status: criteria provided, single submitter. Criteria: Invitae Variant Classification Sherloc (09022015). Collection method: clinical testing. Allele origin: germline.
Comment: This sequence change replaces arginine, which is basic and polar, with cysteine, which is neutral and slightly polar, at codon 471 of the WDR11 protein (p.Arg471Cys). This variant is present in population databases (no rsID available, gnomAD 0.005%). In summary, the available evidence is currently insufficient to determine the role of this variant in disease. Therefore, it has been classified as a Variant of Uncertain Significance. Algorithms developed to predict the effect of missense changes on protein structure and function are either unavailable or do not agree on the potential impact of this missense change (SIFT: "Deleterious"; PolyPhen-2: "Probably Damaging"; Align-GVGD: "Class C0"). This variant has not been reported in the literature in individuals affected with WDR11-related conditions.

NM_018117.12(WDR11):c.1411C>T (p.Arg471Cys)

Gene: WDR11 (WD repeat domain 11; plus strand). Cytogenetic location: 10q26.12.
Variant type: single nucleotide variant.
Coding change: c.1411C>T on transcript NM_018117.12 (MANE Select); coding-DNA position 1411, C replaced by T.
Protein change: p.Arg471Cys; replaces arginine 471 with cysteine.
Molecular consequence: missense variant.
Genome position (GRCh38, 1-based): chr10:120,871,286, C>T. VCF-style: chr10-120871286-C-T. GRCh37 (hg19) VCF-style: chr10-122630798-C-T.
Other names: c.1411C>T (NM_018117.11); short protein forms R471C.
Identifiers: ClinVar variation 1932227 (VCV001932227.8), dbSNP rs867397877, ClinGen allele CA214282810.